The following is an entry in ClinVar:

ClinVar aggregate classification (germline): Uncertain significance (1 of 4 stars; one submission).

Conditions:
Hereditary cancer-predisposing syndrome. Also called: Hereditary Cancer Syndrome; Hereditary neoplastic syndrome; Neoplastic Syndromes, Hereditary; Tumor predisposition. Identifiers: Orphanet 140162, MedGen C0027672, MeSH D009386, MONDO:0015356.

Submission:

Ambry Genetics
Classification: Uncertain significance for Hereditary cancer-predisposing syndrome. Last evaluated: 2020-03-30. Review status: criteria provided, single submitter. Criteria: Ambry Variant Classification Scheme 2023. Collection method: clinical testing. Allele origin: germline.
Comment: The p.P147L variant (also known as c.440C>T), located in coding exon 3 of the MSH3 gene, results from a C to T substitution at nucleotide position 440. The proline at codon 147 is replaced by leucine, an amino acid with similar properties. This amino acid position is well conserved in available vertebrate species. In addition, this alteration is predicted to be tolerated by in silico analysis. Since supporting evidence is limited at this time, the clinical significance of this alteration remains unclear.

NM_002439.5(MSH3):c.440C>T (p.Pro147Leu)

Gene: MSH3 (mutS homolog 3; plus strand). Cytogenetic location: 5q14.1.
Variant type: single nucleotide variant.
Coding change: c.440C>T on transcript NM_002439.5 (MANE Select); coding-DNA position 440, C replaced by T.
Protein change: p.Pro147Leu; replaces proline 147 with leucine.
Molecular consequence: missense variant.
Genome position (GRCh38, 1-based): chr5:80,665,224, C>T. VCF-style: chr5-80665224-C-T. GRCh37 (hg19) VCF-style: chr5-79961043-C-T.
Other names: short protein forms P147L.
Identifiers: ClinVar variation 1740384 (VCV001740384.2), dbSNP rs2546717433, ClinGen allele CA360263429.
Genomic context (GRCh38, chr5:80,665,224, plus strand): 5'-CCAGGAATGTTTCAAAGTCTCTGGAAAAATTGAAAGAATTCTGCTGCGATTCTGCCCTTC[C>T]TCAAAGTAGAGTCCAGACAGAATCTCTGCAGGAGAGATTTGCAGTTCTGCCAAAATGTAC-3'
Protein context (NP_002430.3, residues 137-157): LKEFCCDSAL[Pro147Leu]QSRVQTESLQ